The following is an entry in ClinVar:

NM_001018005.2(TPM1):c.498C>T (p.Ala166=)

Gene: TPM1 (tropomyosin 1; plus strand). Cytogenetic location: 15q22.2.
Variant type: single nucleotide variant.
Coding change: c.498C>T on transcript NM_001018005.2 (MANE Select); coding-DNA position 498, C replaced by T.
Protein change: p.Ala166=; no amino-acid change (alanine 166 retained).
Molecular consequence: synonymous variant. On other transcripts: non-coding transcript variant (17).
Genome position (GRCh38, 1-based): chr15:63,060,874, C>T. VCF-style: chr15-63060874-C-T. GRCh37 (hg19) VCF-style: chr15-63353073-C-T.
Other names: c.498C>T, p.Ala166= (NM_000366.6, NM_001018004.2, NM_001018006.2 and 20 more transcripts); c.390C>T, p.Ala130= (NM_001018008.2, NM_001301289.2, NM_001330344.2 and 9 more transcripts); c.624C>T, p.Ala208= (NM_001365778.1, NM_001407322.1, NM_001407323.1 and 1 more transcripts).
Identifiers: ClinVar variation 3072475 (VCV003072475.2), dbSNP rs1255305586, ClinGen allele CA490693084.

ClinVar aggregate classification (germline): Likely benign (1 of 4 stars; one submission).

Conditions:
Hypertrophic cardiomyopathy. Also called: HYPERTROPHIC MYOCARDIOPATHY. Identifiers: Orphanet 217569, MedGen C0007194, MeSH D002312, MONDO:0005045, HP:0001639.

Allele frequency attached by ClinVar (database versions not stated): gnomAD exomes below 0.00001.
gnomAD v4.1: 1 of 1,614,140 alleles (0.000062%); highest among the groups gnomAD compares: Non-Finnish European, 0.000085%; no homozygotes.

Submission:

All of Us Research Program, National Institutes of Health
Classification: Likely benign for Hypertrophic cardiomyopathy. Last evaluated: 2024-04-16. Review status: criteria provided, single submitter. Criteria: ACMG Guidelines, 2015. Collection method: clinical testing. Allele origin: germline. Inheritance: Autosomal dominant inheritance. Observed: 2 variant alleles, 2 heterozygotes.
Comment: This study involves interpretation of variants in research participants for the purpose of population health screening. Participant phenotype was not available at the time of variant classification. Additional details can be found in publication PMID: 35346344, PMCID: PMC8962531